The following is an entry in ClinVar:

NM_001291303.3(FAT4):c.3119C>T (p.Thr1040Ile)

Gene: FAT4 (FAT atypical cadherin 4; plus strand). Cytogenetic location: 4q28.1.
Variant type: single nucleotide variant.
Coding change: c.3119C>T on transcript NM_001291303.3 (MANE Select); coding-DNA position 3119, C replaced by T.
Protein change: p.Thr1040Ile; replaces threonine 1040 with isoleucine.
Molecular consequence: missense variant.
Genome position (GRCh38, 1-based): chr4:125,319,530, C>T. VCF-style: chr4-125319530-C-T. GRCh37 (hg19) VCF-style: chr4-126240685-C-T.
Other names: c.3119C>T, p.Thr1040Ile (NM_001291285.3, NM_024582.6); short protein forms T1040I.
Identifiers: ClinVar variation 2769894 (VCV002769894.2), dbSNP rs2530440604, ClinGen allele CA358121810.

ClinVar aggregate classification (germline): Uncertain significance (1 of 4 stars; one submission).

Allele frequency attached by ClinVar (database versions not stated): gnomAD exomes below 0.00001.
gnomAD v4.1: 1 of 1,614,090 alleles (0.000062%); highest among the groups gnomAD compares: Non-Finnish European, 0.000085%; no homozygotes.

Submission:

Labcorp Genetics (formerly Invitae), Labcorp
Classification: Uncertain significance. Last evaluated: 2023-10-18. Review status: criteria provided, single submitter. Criteria: Invitae Variant Classification Sherloc (09022015). Collection method: clinical testing. Allele origin: germline.
Comment: This sequence change replaces threonine, which is neutral and polar, with isoleucine, which is neutral and non-polar, at codon 1040 of the FAT4 protein (p.Thr1040Ile). This variant is not present in population databases (gnomAD no frequency). This variant has not been reported in the literature in individuals affected with FAT4-related conditions. Advanced modeling of protein sequence and biophysical properties (such as structural, functional, and spatial information, amino acid conservation, physicochemical variation, residue mobility, and thermodynamic stability) performed at Invitae indicates that this missense variant is not expected to disrupt FAT4 protein function. In summary, the available evidence is currently insufficient to determine the role of this variant in disease. Therefore, it has been classified as a Variant of Uncertain Significance.